The following is an entry in ClinVar:

NM_001377.3(DYNC2H1):c.8567dup (p.Leu2856fs)

Gene: DYNC2H1 (dynein cytoplasmic 2 heavy chain 1; plus strand). Cytogenetic location: 11q22.3.
Variant type: Duplication.
Coding change: c.8567dup on transcript NM_001377.3 (MANE Select); coding-DNA position 8567, one base duplicated (T; older notation c.8567dupT).
Protein change: p.Leu2856fs; shifts the reading frame from leucine 2856.
Molecular consequence: frameshift variant.
Genome position (GRCh38, 1-based): chr11:103,211,816, T duplicated; the last of 5 consecutive T bases (chr11:103,211,812-103,211,816); duplicating any one gives the same sequence. VCF-style (leftmost placement, unchanged base first): chr11-103211811-A-AT. GRCh37 (hg19) VCF-style: chr11-103082540-A-AT.
Other names: c.8567dup, p.Leu2856fs (NM_001080463.2); short protein forms L2856fs.
Identifiers: ClinVar variation 5016181 (VCV005016181.1).
Genomic context (GRCh38, chr11:103,211,811, plus strand): 5'-CATATAATAAGTTATTTTTATTTTCTATTTTTTTCTAGTTGATCCTGATTTTCTAAAATC[A>AT]TTTTTATTAATCCATGAATCTTGTAAAGCATATGGTGCTACACCAAGCCGATACATGACC-3'

ClinVar aggregate classification (germline): Pathogenic (1 of 4 stars; one submission).

Conditions:
Asphyxiating thoracic dystrophy 3. Also called: SHORT-RIB THORACIC DYSPLASIA 3 WITH OR WITHOUT POLYDACTYLY; POLYDACTYLY WITH NEONATAL CHONDRODYSTROPHY, TYPE I; SHORT-RIB THORACIC DYSPLASIA 3/6 WITH POLYDACTYLY, DIGENIC; Short rib polydactyly syndrome 2B; Saldino-Noonan Syndrome. Identifiers: Orphanet 474, Orphanet 93269, Orphanet 93270, Orphanet 93271, MedGen C0036069, MONDO:0013127, OMIM 613091.

Submission:

Myriad Genetics, Inc.
Classification: Pathogenic for Asphyxiating thoracic dystrophy 3. Last evaluated: 2026-07-30. Review status: criteria provided, single submitter. Criteria: Myriad Autosomal Dominant, Autosomal Recessive and X-Linked Classification Criteria (2023). Collection method: clinical testing. Allele origin: unknown.
Comment: NM_001377.2(DYNC2H1):c.8567dupT(L2856Ffs*5) is expected to be pathogenic in the context of DYNC2H1-related disorders. This variant is predicted to lead to an abnormal or absent protein product due to the creation of a premature termination codon in DYNC2H1, a gene where loss-of-function variants are known to be pathogenic. Please note: this variant was assessed in the context of healthy population screening.